The following is an entry in ClinVar:

NM_001130053.5(EEF1D):c.817C>T (p.Arg273Trp)

Gene: EEF1D (eukaryotic translation elongation factor 1 delta; minus strand). Cytogenetic location: 8q24.3.
Variant type: single nucleotide variant.
Coding change: c.817C>T on transcript NM_001130053.5 (MANE Select); coding-DNA position 817, C replaced by T.
Protein change: p.Arg273Trp; replaces arginine 273 with tryptophan.
Molecular consequence: missense variant. On other transcripts: intron variant (8).
Genome position (GRCh38, 1-based): chr8:143,589,265, G>A on the plus strand (C>T on the coding strand, the complement: EEF1D is on the minus strand). VCF-style: chr8-143589265-G-A. GRCh37 (hg19) VCF-style: chr8-144671435-G-A.
Other names: c.817C>T, p.Arg273Trp (NM_032378.7); c.-4-2416C>T (NM_001317743.4, NM_001289950.4, NM_001130055.4); c.-7-2413C>T (NM_001130056.5, NM_001195203.4, NM_001960.7 and 2 more transcripts); short protein forms R273W.
Identifiers: ClinVar variation 3369923 (VCV003369923.1).

ClinVar aggregate classification (germline): Uncertain significance (1 of 4 stars; one submission).

Submission:

GeneDx
Classification: Uncertain significance. Last evaluated: 2024-03-04. Review status: criteria provided, single submitter. Criteria: GeneDx Variant Classification Process June 2021. Collection method: clinical testing. Allele origin: germline. Affected: yes.
Comment: In silico analysis supports that this missense variant has a deleterious effect on protein structure/function; Has not been previously published as pathogenic or benign to our knowledge